The following is an entry in ClinVar:

NM_002335.4(LRP5):c.1039G>A (p.Ala347Thr)

Gene: LRP5 (LDL receptor related protein 5; plus strand). Cytogenetic location: 11q13.2.
Variant type: single nucleotide variant.
Coding change: c.1039G>A on transcript NM_002335.4 (MANE Select); coding-DNA position 1039, G replaced by A.
Protein change: p.Ala347Thr; replaces alanine 347 with threonine.
Molecular consequence: missense variant. On other transcripts: 5 prime UTR variant (1).
Genome position (GRCh38, 1-based): chr11:68,386,339, G>A. VCF-style: chr11-68386339-G-A. GRCh37 (hg19) VCF-style: chr11-68153807-G-A.
Other names: c.-727G>A (NM_001291902.2); short protein forms A347T.
Identifiers: ClinVar variation 3695509 (VCV003695509.2).
Genomic context (GRCh38, chr11:68,386,339, plus strand): 5'-CCCTTGACCCCTGACCCCATTGCACCTGTCTCCACAGGAGCCGAGGAGGTGCTGCTGCTG[G>A]CCCGGCGGACGGACCTACGGAGGATCTCGCTGGACACGCCGGACTTCACCGACATCGTGC-3'
Protein context (NP_002326.2, residues 337-357): KAGAEEVLLL[Ala347Thr]RRTDLRRISL

ClinVar aggregate classification (germline): Uncertain significance (1 of 4 stars; one submission).

Submission:

Labcorp Genetics (formerly Invitae), Labcorp
Classification: Uncertain significance. Last evaluated: 2024-08-28. Review status: criteria provided, single submitter. Criteria: Invitae Variant Classification Sherloc (09022015). Collection method: clinical testing. Allele origin: germline.
Comment: This sequence change replaces alanine, which is neutral and non-polar, with threonine, which is neutral and polar, at codon 347 of the LRP5 protein (p.Ala347Thr). This variant is not present in population databases (gnomAD no frequency). This variant has not been reported in the literature in individuals affected with LRP5-related conditions. Invitae Evidence Modeling of protein sequence and biophysical properties (such as structural, functional, and spatial information, amino acid conservation, physicochemical variation, residue mobility, and thermodynamic stability) has been performed for this missense variant. However, the output from this modeling did not meet the statistical confidence thresholds required to predict the impact of this variant on LRP5 protein function. In summary, the available evidence is currently insufficient to determine the role of this variant in disease. Therefore, it has been classified as a Variant of Uncertain Significance.